The following is an entry in ClinVar:

NC_000001.10:g.(?_25889115)_(25889664_?)del

Gene: LDLRAP1 (low density lipoprotein receptor adaptor protein 1; plus strand). Cytogenetic location: 1p36.11.
Variant type: Deletion.
Identifiers: ClinVar variation 3247773 (VCV003247773.1).

ClinVar aggregate classification (germline): Pathogenic (1 of 4 stars; one submission).

Conditions:
Hypercholesterolemia, familial, 4 (FHCL4). Also called: HYPERCHOLESTEROLEMIA, AUTOSOMAL RECESSIVE, 1; HYPERCHOLESTEROLEMIA, AUTOSOMAL RECESSIVE, 2. Identifiers: Orphanet 391665, MedGen C1863512, MONDO:0011374, OMIM 603813.

Submission:

Labcorp Genetics (formerly Invitae), Labcorp
Classification: Pathogenic for Hypercholesterolemia, familial, 4. Last evaluated: 2023-07-19. Review status: criteria provided, single submitter. Criteria: Invitae Variant Classification Sherloc (09022015). Collection method: clinical testing. Allele origin: unknown.
Comment: For these reasons, this variant has been classified as Pathogenic. This variant has not been reported in the literature in individuals affected with LDLRAP1-related conditions. This variant is a gross deletion of the genomic region encompassing exon(s) 5-6 of the LDLRAP1 gene. This deletion is out-of-frame, and is expected to create a premature termination codon and result in an absent or disrupted protein product. Loss-of-function variants in LDLRAP1 are known to be pathogenic (PMID: 11326085, 12464675).

Literature cited by the submitters: PubMed 11326085; PubMed 12464675.